The following is an entry in ClinVar:

NM_005045.4(RELN):c.7634C>T (p.Ala2545Val)

Gene: RELN (reelin; minus strand). Cytogenetic location: 7q22.1.
Variant type: single nucleotide variant.
Coding change: c.7634C>T on transcript NM_005045.4 (MANE Select); coding-DNA position 7634, C replaced by T.
Protein change: p.Ala2545Val; replaces alanine 2545 with valine.
Molecular consequence: missense variant.
Genome position (GRCh38, 1-based): chr7:103,522,056, G>A on the plus strand (C>T on the coding strand, the complement: RELN is on the minus strand). VCF-style: chr7-103522056-G-A. GRCh37 (hg19) VCF-style: chr7-103162503-G-A.
Other names: c.7634C>T, p.Ala2545Val (NM_173054.3); short protein forms A2545V.
Identifiers: ClinVar variation 287125 (VCV000287125.35), dbSNP rs116634494, ClinGen allele CA4420698.

ClinVar aggregate classification (germline): Conflicting classifications of pathogenicity. Review status: criteria provided, conflicting classifications (1 of 4 stars). 9 submissions from 9 submitters: Uncertain significance (7); Likely benign (1). 1 of the submissions does not count toward it. Last evaluated 2025-12-26.

Conditions:
Familial temporal lobe epilepsy 7. Identifiers: Orphanet 101046, MedGen C4225327, MONDO:0014639, OMIM 616436.
Norman-Roberts syndrome (LIS2). Also called: Lissencephaly 2 (Norman-Roberts type). Identifiers: Orphanet 89844, MedGen C0796089, MONDO:0009760, OMIM 257320.
Inborn genetic diseases. Identifiers: MedGen C0950123, MeSH D030342.
Intellectual disability. Also called: Intellectual functioning disability; intellectual disabilities; Intellectual developmental disorder. Identifiers: MedGen C3714756, MeSH D008607, MONDO:0001071, HP:0001249.

Allele frequency attached by ClinVar (database versions not stated): gnomAD 0.00013 and 0.00014; TOPMed 0.00020; 1000 Genomes Project 0.00040; gnomAD exomes 0.00021; ExAC 0.00023; 1000 Genomes Project 30x 0.00062.
gnomAD v4.1: 520 of 1,614,048 alleles (0.032%); highest among the groups gnomAD compares: Admixed American, 0.05%; no homozygotes.

Submissions (9):

Labcorp Genetics (formerly Invitae), Labcorp
Classification: Likely benign for Familial temporal lobe epilepsy 7; Norman-Roberts syndrome. Last evaluated: 2025-12-26. Review status: criteria provided, single submitter. Criteria: Invitae Variant Classification Sherloc (09022015). Collection method: clinical testing. Allele origin: germline.

GeneDx
Classification: Uncertain significance. Last evaluated: 2025-10-22. Review status: criteria provided, single submitter. Criteria: GeneDx Variant Classification Process June 2021. Collection method: clinical testing. Allele origin: germline. Affected: yes.
Comment: Reported previously in an individual with autism spectrum disorder; however, a missense variant in another gene was also identified in this individual and no further clinical information was provided (PMID: 28677532); Reported previously in an individual with autism spectrum disorder who had a second RELN variant on the opposite chromosome; however we consider the second RELN variant identified to be benign (PMID: 29969175); In silico analysis suggests that this missense variant does not alter protein structure/function; This variant is associated with the following publications: (PMID: 34426522, 32060413, 31623367, 35668055, 28677532, 29969175, 39308770)

Athena Diagnostics
Classification: Uncertain significance. Last evaluated: 2024-06-19. Review status: criteria provided, single submitter. Criteria: Athena Diagnostics Criteria. Collection method: clinical testing. Allele origin: unknown.
Comment: Available data are insufficient to determine the clinical significance of the variant at this time. The frequency of this variant in the general population is higher than would generally be expected for pathogenic variants in this gene. Polyphen and MutationTaster yielded discordant predictions regarding whether this amino acid change is damaging to the protein.

Fulgent Genetics
Classification: Uncertain significance for Norman-Roberts syndrome; Familial temporal lobe epilepsy 7. Last evaluated: 2024-01-05. Review status: criteria provided, single submitter. Criteria: ACMG Guidelines, 2015. Collection method: clinical testing. Allele origin: germline.

Ambry Genetics
Classification: Uncertain significance for Inborn genetic diseases. Last evaluated: 2021-05-05. Review status: criteria provided, single submitter. Criteria: Ambry Variant Classification Scheme 2023. Collection method: clinical testing. Allele origin: germline.
Comment: Unlikely to be causative of RELN-related lateral temporal epilepsy (AD) Based on insufficient or conflicting evidence, the clinical significance of this alteration remains unclear.

Baylor Genetics
Classification: Uncertain significance for Norman-Roberts syndrome. Last evaluated: 2020-09-10. Review status: criteria provided, single submitter. Criteria: ACMG Guidelines, 2015. Collection method: clinical testing. Allele origin: unknown. Affected: yes.
Comment: This variant was determined to be of uncertain significance according to ACMG Guidelines, 2015 [PMID:25741868].

Revvity Omics, Revvity
Classification: Uncertain significance for Norman-Roberts syndrome. Last evaluated: 2020-04-02. Review status: criteria provided, single submitter. Criteria: ACMG Guidelines, 2015. Collection method: clinical testing. Allele origin: germline.

Eurofins Ntd Llc (ga)
Classification: Uncertain significance. Last evaluated: 2017-08-22. Review status: criteria provided, single submitter. Criteria: EGL Classification Definitions 2015. Collection method: clinical testing. Allele origin: germline. Observed: 2 variant alleles, 2 heterozygotes.

Centre de Biologie Pathologie Génétique, Centre Hospitalier Universitaire de Lille
Classification: Likely benign for Intellectual disability. Last evaluated: 2019-01-01. Review status: no assertion criteria provided. Collection method: clinical testing. Allele origin: inherited. Affected: yes. Not counted in ClinVar's aggregate classification.

Literature cited by the submitters: PubMed 32060413 (cited by Athena Diagnostics); PubMed 35668055 (cited by Athena Diagnostics); PubMed 29180823 (cited by Athena Diagnostics); PubMed 26740555 (cited by Athena Diagnostics); PubMed 29969175 (cited by Athena Diagnostics and Ambry Genetics); PubMed 28677532 (cited by Athena Diagnostics).